The following is an entry in ClinVar:

ClinVar aggregate classification (germline): Benign. Review status: criteria provided, multiple submitters, no conflicts (2 of 4 stars). 9 submissions from 9 submitters: Benign (7). 2 of the submissions do not count toward it. Last evaluated 2026-02-04.

Conditions:
Glycogen storage disease type III (GSD3). Also called: FORBES DISEASE; Cori disease. Identifiers: Orphanet 366, MedGen C0017922, MONDO:0009291, OMIM 232400.

Allele frequency attached by ClinVar (database versions not stated): 1000 Genomes Project 30x 0.11009; 1000 Genomes Project 0.11062; TOPMed 0.12881; gnomAD 0.13549 and 0.13698; ExAC 0.13613; ESP Exome Variant Server 0.13947.
gnomAD v4.1: 225,966 of 1,612,830 alleles (14%); highest among the groups gnomAD compares: Middle Eastern, 23%; 16,526 homozygotes.

Submissions (9):

Labcorp Genetics (formerly Invitae), Labcorp
Classification: Benign for Glycogen storage disease type III. Last evaluated: 2026-02-04. Review status: criteria provided, single submitter. Criteria: Invitae Variant Classification Sherloc (09022015). Collection method: clinical testing. Allele origin: germline.

Blueprint Genetics
Classification: Benign. Last evaluated: 2024-11-26. Review status: criteria provided, single submitter. Criteria: ACMG Guidelines, 2015. Collection method: clinical testing. Allele origin: germline.

Genome-Nilou Lab
Classification: Benign for Glycogen storage disease type III. Last evaluated: 2021-07-15. Review status: criteria provided, single submitter. Criteria: ACMG Guidelines, 2015. Collection method: clinical testing. Allele origin: germline. Affected: no.

Illumina Laboratory Services, Illumina
Classification: Benign for Glycogen storage disease type III. Last evaluated: 2018-01-12. Review status: criteria provided, single submitter. Criteria: ICSL Variant Classification Criteria 13 December 2019. Collection method: clinical testing. Allele origin: germline.
Comment: This variant was observed in the ICSL laboratory as part of a predisposition screen in an ostensibly healthy population. It had not been previously curated by ICSL or reported in the Human Gene Mutation Database (HGMD: prior to June 1st, 2018), and was therefore a candidate for classification through an automated scoring system. Utilizing variant allele frequency, disease prevalence and penetrance estimates, and inheritance mode, an automated score was calculated to assess if this variant is too frequent to cause the disease. Based on the score and internal cut-off values, a variant classified as benign is not then subjected to further curation. The score for this variant resulted in a classification of benign for this disease.

GeneDx
Classification: Benign. Last evaluated: 2015-12-02. Review status: criteria provided, single submitter. Criteria: GeneDx Variant Classification (06012015). Collection method: clinical testing. Allele origin: germline. Affected: yes.
Comment: This variant is considered likely benign or benign based on one or more of the following criteria: it is a conservative change, it occurs at a poorly conserved position in the protein, it is predicted to be benign by multiple in silico algorithms, and/or has population frequency not consistent with disease.

Breakthrough Genomics
Classification: Benign. Review status: criteria provided, single submitter. Criteria: ACMG Guidelines, 2015. Collection method: not provided. Allele origin: germline. Inheritance: Autosomal recessive inheritance. Affected: yes.

PreventionGenetics, part of Exact Sciences
Classification: Benign. Review status: criteria provided, single submitter. Criteria: ACMG Guidelines, 2015. Collection method: clinical testing. Allele origin: germline.

Natera, Inc.
Classification: Benign for Glycogen storage disease type III. Last evaluated: 2020-09-16. Review status: no assertion criteria provided. Collection method: clinical testing. Allele origin: germline. Not counted in ClinVar's aggregate classification.

Mayo Clinic Laboratories, Mayo Clinic
Classification: Benign. Last evaluated: 2015-12-15. Review status: no assertion criteria provided. Collection method: clinical testing. Allele origin: unknown. Not counted in ClinVar's aggregate classification.

NM_000642.3(AGL):c.3199C>T (p.Pro1067Ser)

Gene: AGL (amylo-alpha-1,6-glucosidase and 4-alpha-glucanotransferase; plus strand). Cytogenetic location: 1p21.2.
Variant type: single nucleotide variant.
Coding change: c.3199C>T on transcript NM_000642.3 (MANE Select); coding-DNA position 3199, C replaced by T.
Protein change: p.Pro1067Ser; replaces proline 1067 with serine.
Molecular consequence: missense variant.
Genome position (GRCh38, 1-based): chr1:99,892,547, C>T. VCF-style: chr1-99892547-C-T. GRCh37 (hg19) VCF-style: chr1-100358103-C-T.
Other names: c.3199C>T, p.Pro1067Ser (NM_000028.3, NM_000643.3, NM_000644.3 and 1 more transcripts); c.3151C>T, p.Pro1051Ser (NM_000646.3); c.3178C>T, p.Pro1060Ser (NM_001425326.1); c.2998C>T, p.Pro1000Ser (NM_001425327.1); c.2995C>T, p.Pro999Ser (NM_001425328.1); c.2860C>T, p.Pro954Ser (NM_001425329.1); c.2821C>T, p.Pro941Ser (NM_001425332.1); short protein forms P1067S, P1051S, P1000S, P1060S, P941S, P954S, P999S.
Identifiers: ClinVar variation 256734 (VCV000256734.24), dbSNP rs3753494, ClinGen allele CA966996.